The following is an entry in ClinVar:

NM_001130823.3(DNMT1):c.3931A>G (p.Thr1311Ala)

Gene: DNMT1 (DNA methyltransferase 1; minus strand). Cytogenetic location: 19p13.2.
Variant type: single nucleotide variant.
Coding change: c.3931A>G on transcript NM_001130823.3 (MANE Select); coding-DNA position 3931, A replaced by G.
Protein change: p.Thr1311Ala; replaces threonine 1311 with alanine.
Molecular consequence: missense variant.
Genome position (GRCh38, 1-based): chr19:10,139,693, T>C on the plus strand (A>G on the coding strand, the complement: DNMT1 is on the minus strand). VCF-style: chr19-10139693-T-C. GRCh37 (hg19) VCF-style: chr19-10250369-T-C.
Other names: c.3883A>G, p.Thr1295Ala (NM_001318730.2, NM_001379.4); c.3568A>G, p.Thr1190Ala (NM_001318731.2); short protein forms T1295A, T1311A, T1190A.
Identifiers: ClinVar variation 1948286 (VCV001948286.5), dbSNP rs2513777359, ClinGen allele CA403972180.
Genomic context (GRCh38, chr19:10,139,693, plus strand): 5'-GTGCTGGCCACATCTGTCTGCCCGCCCCAGCCCCAGGGCCCACCTGCAGCACGCCGAAGG[T>C]GCACTGATAGCCCATGCGGACCAGGCAGCGGAGGGTGAGCTTCAGGACCATGGAGCGCTT-3'
Protein context (NP_001124295.1, residues 1301-1321): RCLVRMGYQC[Thr1311Ala]FGVLQAGQYG

ClinVar aggregate classification (germline): Uncertain significance (1 of 4 stars; one submission).

Conditions:
Hereditary sensory neuropathy-deafness-dementia syndrome. Also called: Hereditary sensory neuropathy type IE; HSN IE; NEUROPATHY, HEREDITARY SENSORY, WITH HEARING LOSS AND DEMENTIA; Hereditary Sensory and Autonomic Neuropathy Type 1E (HSAN1E). Identifiers: Orphanet 456318, MedGen C3279885, MONDO:0013584, OMIM 614116.

Submission:

Labcorp Genetics (formerly Invitae), Labcorp
Classification: Uncertain significance for Hereditary sensory neuropathy-deafness-dementia syndrome. Last evaluated: 2022-09-20. Review status: criteria provided, single submitter. Criteria: Invitae Variant Classification Sherloc (09022015). Collection method: clinical testing. Allele origin: germline.
Comment: This variant is not present in population databases (gnomAD no frequency). This variant has not been reported in the literature in individuals affected with DNMT1-related conditions. Advanced modeling of protein sequence and biophysical properties (such as structural, functional, and spatial information, amino acid conservation, physicochemical variation, residue mobility, and thermodynamic stability) performed at Invitae indicates that this missense variant is not expected to disrupt DNMT1 protein function. In summary, the available evidence is currently insufficient to determine the role of this variant in disease. Therefore, it has been classified as a Variant of Uncertain Significance. This sequence change replaces threonine, which is neutral and polar, with alanine, which is neutral and non-polar, at codon 1311 of the DNMT1 protein (p.Thr1311Ala).